The following is an entry in ClinVar:

NM_004385.5(VCAN):c.4093C>T (p.His1365Tyr)

Genes: VCAN (versican; plus strand), VCAN-AS1 (VCAN antisense RNA 1; minus strand). Cytogenetic location: 5q14.3.
Variant type: single nucleotide variant.
Coding change: c.4093C>T on transcript NM_004385.5 (MANE Select); coding-DNA position 4093, C replaced by T.
Protein change: p.His1365Tyr; replaces histidine 1365 with tyrosine.
Molecular consequence: missense variant. On other transcripts: intron variant (2).
Genome position (GRCh38, 1-based): chr5:83,537,096, C>T. VCF-style: chr5-83537096-C-T. GRCh37 (hg19) VCF-style: chr5-82832915-C-T.
Other names: c.1132C>T, p.His378Tyr (NM_001164097.2); c.4004-8441C>T (NM_001164098.2); c.1043-8441C>T (NM_001126336.3); short protein forms H1365Y, H378Y.
Identifiers: ClinVar variation 2094032 (VCV002094032.4), dbSNP rs1319209136, ClinGen allele CA360307485.

ClinVar aggregate classification (germline): Uncertain significance (1 of 4 stars; one submission).

Allele frequency attached by ClinVar (database versions not stated): gnomAD 0.00001.
gnomAD v4.1: 2 of 1,613,822 alleles (0.00012%); highest among the groups gnomAD compares: East Asian, 0.0022%; no homozygotes.

Submission:

Labcorp Genetics (formerly Invitae), Labcorp
Classification: Uncertain significance. Last evaluated: 2025-02-24. Review status: criteria provided, single submitter. Criteria: Invitae Variant Classification Sherloc (09022015). Collection method: clinical testing. Allele origin: germline.
Comment: This sequence change replaces histidine, which is basic and polar, with tyrosine, which is neutral and polar, at codon 1365 of the VCAN protein (p.His1365Tyr). This variant is present in population databases (no rsID available, gnomAD 0.0009%). This variant has not been reported in the literature in individuals affected with VCAN-related conditions. ClinVar contains an entry for this variant (Variation ID: 2094032). An algorithm developed to predict the effect of missense changes on protein structure and function (PolyPhen-2) suggests that this variant is likely to be disruptive. In summary, the available evidence is currently insufficient to determine the role of this variant in disease. Therefore, it has been classified as a Variant of Uncertain Significance.